The following is an entry in ClinVar:

NM_002637.4(PHKA1):c.2918-4A>G

Gene: PHKA1 (phosphorylase kinase regulatory subunit alpha 1; minus strand). Cytogenetic location: Xq13.1.
Variant type: single nucleotide variant.
Coding change: c.2918-4A>G on transcript NM_002637.4 (MANE Select); 4 bases into the intron before coding-DNA position 2918, A replaced by G.
Molecular consequence: intron variant.
Genome position (GRCh38, 1-based): chrX:72,602,277, T>C on the plus strand (A>G on the coding strand, the complement: PHKA1 is on the minus strand). VCF-style: chrX-72602277-T-C. GRCh37 (hg19) VCF-style: chrX-71822127-T-C.
Other names: c.2741-4A>G (NM_001172436.2); c.2918-4A>G (NM_001122670.2).
Identifiers: ClinVar variation 510985 (VCV000510985.36), dbSNP rs184136158, ClinGen allele CA10450587.

ClinVar aggregate classification (germline): Benign/Likely benign. Review status: criteria provided, multiple submitters, no conflicts (2 of 4 stars). 3 submissions from 3 submitters: Benign (1); Likely benign (2). Last evaluated 2026-01-19.

Conditions:
Glycogen storage disease IXd (GSD9D). Also called: Muscle Phosphorylase Kinase Deficiency; GSD IXd. Identifiers: Orphanet 715, MedGen C1845151, MONDO:0010362, OMIM 300559.

Allele frequency attached by ClinVar (database versions not stated): gnomAD exomes 0.00005 and 0.00012; ExAC 0.00017; TOPMed 0.00050; 1000 Genomes Project 0.00053; gnomAD 0.00054 and 0.00056; ESP Exome Variant Server 0.00057; 1000 Genomes Project 30x 0.00062.
gnomAD v4.1: 121 of 1,066,501 alleles (0.011%); highest among the groups gnomAD compares: African/African-American, 0.14%; no homozygotes.

Submissions (3):

Labcorp Genetics (formerly Invitae), Labcorp
Classification: Benign for Glycogen storage disease IXd. Last evaluated: 2026-01-19. Review status: criteria provided, single submitter. Criteria: Invitae Variant Classification Sherloc (09022015). Collection method: clinical testing. Allele origin: germline.

CeGaT Center for Human Genetics Tuebingen
Classification: Likely benign. Last evaluated: 2022-10-01. Review status: criteria provided, single submitter. Criteria: CeGaT Center For Human Genetics Tuebingen Variant Classification Criteria Version 2. Collection method: clinical testing. Allele origin: germline. Affected: yes. Observed: 1 variant allele.
Comment: PHKA1: BP4

GeneDx
Classification: Likely benign. Last evaluated: 2018-04-27. Review status: criteria provided, single submitter. Criteria: GeneDx Variant Classification Process June 2021. Collection method: clinical testing. Allele origin: germline. Affected: yes.